The following is an entry in ClinVar:

ClinVar aggregate classification (germline): Pathogenic. Review status: criteria provided, single submitter (1 of 4 stars). 2 submissions from 1 submitter: Pathogenic (2). Last evaluated 2018-12-24.

Conditions:
Ehlers-Danlos syndrome, classic type (cEDS). Identifiers: Orphanet 287, MedGen C4225429, MONDO:0007522.
Ehlers-Danlos syndrome, classic type, 1 (EDSCL1). Also called: EDS I; EHLERS-DANLOS SYNDROME, GRAVIS TYPE; EHLERS-DANLOS SYNDROME, SEVERE CLASSIC TYPE; Ehlers-Danlos Syndrome, Classic Type, COL5A1-Related; Ehlers-Danlos syndrome, type 1. Identifiers: MedGen C0268335, MONDO:0019567, OMIM 130000.

Submissions (2):

Labcorp Genetics (formerly Invitae), Labcorp
Classification: Pathogenic for Ehlers-Danlos syndrome, type 1. Last evaluated: 2018-12-24. Review status: criteria provided, single submitter. Criteria: Invitae Variant Classification Sherloc (09022015). Collection method: clinical testing. Allele origin: germline.
Comment: This variant is a gross deletion of the genomic region encompassing exons 1-25 of the COL5A1 gene, which includes the initiator codon. The 5' end of this event is unknown as it extends beyond the assayed region for this gene and therefore may encompass additional genes. The 3' boundary is likely confined to intron 25 of the COL5A1 gene. This is expected to result in an absent or disrupted protein product. This variant has not been reported in the literature in individuals with COL5A1-related conditions. Loss-of-function variants in COL5A1 are known to be pathogenic (PMID: 23587214). For these reasons, this variant has been classified as Pathogenic.

Labcorp Genetics (formerly Invitae), Labcorp
Classification: Pathogenic for Ehlers-Danlos syndrome, classic type, 1. Last evaluated: 2018-12-17. Review status: criteria provided, single submitter. Criteria: Invitae Variant Classification Sherloc (09022015). Collection method: clinical testing. Allele origin: germline.
Comment: For these reasons, this variant has been classified as Pathogenic. Loss-of-function variants in COL5A1 are known to be pathogenic (PMID: 23587214). This variant has not been reported in the literature in individuals with COL5A1-related conditions. This variant is a gross deletion of the genomic region encompassing exons 1-25 of the COL5A1 gene, which includes the initiator codon. The 5' end of this event is unknown as it extends beyond the assayed region for this gene and therefore may encompass additional genes. The 3' boundary is likely confined to intron 25 of the COL5A1 gene. This is expected to result in an absent or disrupted protein product.

Literature cited by the submitters: PubMed 23587214.

NC_000009.12:g.(?_134642178)_(134768473_?)del

Genes: COL5A1 (collagen type V alpha 1 chain; plus strand), COL5A1-AS1 (COL5A1 antisense RNA 1; minus strand), LOC130002964 (ATAC-STARR-seq lymphoblastoid active region 29286; plus strand). Cytogenetic location: 9q34.3.
Variant type: Deletion.
Identifiers: ClinVar variation 655757 (VCV000655757.6).